The following is an entry in ClinVar:

NM_177438.3(DICER1):c.4361A>G (p.Asp1454Gly)

Gene: DICER1 (dicer 1, ribonuclease III; minus strand). Cytogenetic location: 14q32.13.
Variant type: single nucleotide variant.
Coding change: c.4361A>G on transcript NM_177438.3 (MANE Select); coding-DNA position 4361, A replaced by G.
Protein change: p.Asp1454Gly; replaces aspartic acid 1454 with glycine.
Molecular consequence: missense variant. On other transcripts: non-coding transcript variant (6).
Genome position (GRCh38, 1-based): chr14:95,096,559, T>C on the plus strand (A>G on the coding strand, the complement: DICER1 is on the minus strand). VCF-style: chr14-95096559-T-C. GRCh37 (hg19) VCF-style: chr14-95562896-T-C.
Other names: NM_177438.3(DICER1):c.4361A>G; p.Asp1454Gly; c.4361A>G, p.Asp1454Gly (NM_001291628.2, NM_001395677.1, NM_001395678.1 and 13 more transcripts); c.4079A>G, p.Asp1360Gly (NM_001395686.1); c.3956A>G, p.Asp1319Gly (NM_001395687.1, NM_001395688.1, NM_001395689.1 and 2 more transcripts); c.3794A>G, p.Asp1265Gly (NM_001395691.1); c.2678A>G, p.Asp893Gly (NM_001395697.1); short protein forms D1454G, D893G, D1265G, D1319G, D1360G.
Identifiers: ClinVar variation 1718629 (VCV001718629.7), dbSNP rs2542507751, ClinGen allele CA390869081.

ClinVar aggregate classification (germline): Uncertain significance. Review status: reviewed by expert panel (3 of 4 stars). 2 submissions from 2 submitters: Uncertain significance (1). 1 of the submissions does not count toward it. Last evaluated 2025-10-28.

Conditions:
DICER1-related tumor predisposition. Also called: DICER1 syndrome; DICER1-related pleuropulmonary blastoma cancer predisposition syndrome. Identifiers: Orphanet 284343, MedGen C3839822, MONDO:0100216.

Submissions (2):

ClinGen DICER1 and miRNA-Processing Gene Variant Curation Expert Panel, ClinGen
Classification: Uncertain significance for DICER1-related tumor predisposition. Last evaluated: 2025-10-28. Review status: reviewed by expert panel. Criteria: ClinGen DICER1 ACMG Specifications DICER1 V1.4.0. Collection method: curation. Allele origin: germline. Inheritance: Autosomal dominant inheritance.
Comment: The NM_177438.3:c.4361A>G variant in DICER1 is a missense variant predicted to cause substitution of aspartic acid by glycine at amino acid 1454 (p.Asp1454Gly). Although this variant has been observed in individuals undergoing genetic sequencing, to our knowledge, this variant has not been reported in individuals with phenotypes of DICER1-related tumor predisposition warranting points application (PS4 not met; Internal lab contributors). At least one patient with this variant was found to have a somatic second hit in a recognized DICER1 hotspot codon on Wilms tumor sequencing, which is highly specific for DICER1-related tumor predisposition (PP4, Internal contributors). This variant is absent from gnomAD v4.1.0 (PM2_Supporting). While in silico tools do not predict damaging impact of the variant on protein function (REVEL: 0.587), the splice site predictors MaxEntScan and SpliceAI indicate that the variant impacts splicing, evidence that correlates with impact to DICER1 function (PP3). In summary, this variant meets the criteria to be classified as Uncertain Significance for DICER1-related tumor predisposition based on the ACMG/AMP criteria applied, as specified by the ClinGen DICER1 VCEP: PM2_Supporting, PP3, PP4. (Bayesian Points: 3; VCEP specifications version 1.4.0; 10/28/2025)

Labcorp Genetics (formerly Invitae), Labcorp
Classification: Uncertain significance for DICER1-related tumor predisposition. Last evaluated: 2024-02-15. Review status: criteria provided, single submitter. Criteria: Invitae Variant Classification Sherloc (09022015). Collection method: clinical testing. Allele origin: germline. Not counted in ClinVar's aggregate classification.
Comment: This sequence change replaces aspartic acid, which is acidic and polar, with glycine, which is neutral and non-polar, at codon 1454 of the DICER1 protein (p.Asp1454Gly). This variant is not present in population databases (gnomAD no frequency). This variant has not been reported in the literature in individuals affected with DICER1-related conditions. ClinVar contains an entry for this variant (Variation ID: 1718629). An algorithm developed to predict the effect of missense changes on protein structure and function (PolyPhen-2) suggests that this variant is likely to be disruptive. Algorithms developed to predict the effect of sequence changes on RNA splicing suggest that this variant may create or strengthen a splice site. In summary, the available evidence is currently insufficient to determine the role of this variant in disease. Therefore, it has been classified as a Variant of Uncertain Significance.